The following is an entry in ClinVar:

ClinVar aggregate classification (germline): Benign/Likely benign. Review status: criteria provided, multiple submitters, no conflicts (2 of 4 stars). 6 submissions from 6 submitters: Benign (1); Likely benign (2). 3 of the submissions do not count toward it. Last evaluated 2026-09-01.

Conditions:
Neurodevelopmental disorder with or without early-onset generalized epilepsy. Identifiers: MedGen C5436914, MONDO:0030930, OMIM 619157.

Allele frequency attached by ClinVar (database versions not stated): 1000 Genomes Project 0.00080; 1000 Genomes Project 30x 0.00125; gnomAD exomes 0.00250; TOPMed 0.00253; gnomAD 0.00268 and 0.00283; ESP Exome Variant Server 0.00273; ExAC 0.00610.
gnomAD v4.1: 6,590 of 1,590,744 alleles (0.41%); highest among the groups gnomAD compares: Non-Finnish European, 0.52%; 14 homozygotes.

Submissions (6):

CeGaT Center for Human Genetics Tuebingen
Classification: Benign. Last evaluated: 2026-09-01. Review status: criteria provided, single submitter. Criteria: CeGaT Center For Human Genetics Tuebingen Variant Classification Criteria Version 2. Collection method: clinical testing. Allele origin: germline. Affected: yes. Observed: 53 variant alleles.
Comment: NBEA: BS1, BS2

Mayo Clinic Laboratories, Mayo Clinic
Classification: Likely benign. Last evaluated: 2025-07-30. Review status: criteria provided, single submitter. Criteria: ACMG Guidelines, 2015. Collection method: clinical testing. Allele origin: germline. Observed: 1 variant allele.
Comment: BA1, BS2, BP4, BP5, PP2, PM1

Blueprint Genetics
Classification: Likely benign. Last evaluated: 2024-11-22. Review status: criteria provided, single submitter. Criteria: ACMG Guidelines, 2015. Collection method: clinical testing. Allele origin: germline.

Zotz-Klimas Genetics Lab, MVZ Zotz Klimas
Classification: Uncertain significance for Neurodevelopmental disorder with or without early-onset generalized epilepsy. Last evaluated: 2023-10-30. Review status: no assertion criteria provided. Collection method: clinical testing. Allele origin: germline. Affected: yes. Not counted in ClinVar's aggregate classification.

Diagnostic Laboratory, Department of Genetics, University Medical Center Groningen
Classification: Likely benign. Review status: no assertion criteria provided. Collection method: clinical testing. Allele origin: germline. Affected: yes. Study: VKGL Data-share Consensus. Not counted in ClinVar's aggregate classification.

Genome Diagnostics Laboratory, University Medical Center Utrecht
Classification: Likely benign. Review status: no assertion criteria provided. Collection method: clinical testing. Allele origin: germline. Affected: yes. Study: VKGL Data-share Consensus. Not counted in ClinVar's aggregate classification.

Literature cited by the submitters: PubMed 28748566 (cited by Mayo Clinic Laboratories, Mayo Clinic); PubMed 32100410 (cited by Mayo Clinic Laboratories, Mayo Clinic).

NM_001385012.1(NBEA):c.8413G>T (p.Val2805Phe)

Gene: NBEA (neurobeachin; plus strand). Cytogenetic location: 13q13.3.
Variant type: single nucleotide variant.
Coding change: c.8413G>T on transcript NM_001385012.1 (MANE Select); coding-DNA position 8413, G replaced by T.
Protein change: p.Val2805Phe; replaces valine 2805 with phenylalanine.
Molecular consequence: missense variant.
Genome position (GRCh38, 1-based): chr13:35,665,135, G>T. VCF-style: chr13-35665135-G-T. GRCh37 (hg19) VCF-style: chr13-36239272-G-T.
Other names: p.Val2784Phe; c.8350G>T (NM_015678.4); c.1729G>T, p.Val577Phe (NM_001204197.3); c.8404G>T, p.Val2802Phe (NM_001379245.1); c.8350G>T, p.Val2784Phe (NM_015678.5); short protein forms V2784F, V2802F, V2805F, V577F.
Identifiers: ClinVar variation 1299843 (VCV001299843.34), dbSNP rs41292207, ClinGen allele CA6947971.